The following is an entry in ClinVar:

ClinVar aggregate classification (germline): Uncertain significance. Review status: criteria provided, multiple submitters, no conflicts (2 of 4 stars). 5 submissions from 5 submitters: Uncertain significance (5). Last evaluated 2026-09-02.

Conditions:
Inborn genetic diseases. Identifiers: MedGen C0950123, MeSH D030342.
Pancytopenia-developmental delay syndrome. Also called: Bone marrow failure syndrome 2. Identifiers: Orphanet 401764, MedGen C3810350, MONDO:0014317, OMIM 615715.
ERCC6L2-related disorder. Also called: ERCC6L2-related condition.

gnomAD v4.1: 15 of 1,613,660 alleles (0.00093%); highest among the groups gnomAD compares: African/African-American, 0.017%; no homozygotes.

Submissions (5):

PreventionGenetics, part of Exact Sciences
Classification: Uncertain significance for ERCC6L2-related condition. Last evaluated: 2026-09-02. Review status: criteria provided, single submitter. Criteria: ACMG Guidelines, 2015. Collection method: clinical testing. Allele origin: germline.
Comment: The ERCC6L2 c.366T>A variant is predicted to result in the amino acid substitution p.Asn122Lys. To our knowledge, this variant has not been reported in the literature. This variant is reported in 0.024% of alleles in individuals of African descent in gnomAD. At this time, the clinical significance of this variant is uncertain due to the absence of conclusive functional and genetic evidence.

Labcorp Genetics (formerly Invitae), Labcorp
Classification: Uncertain significance. Last evaluated: 2025-06-12. Review status: criteria provided, single submitter. Criteria: Invitae Variant Classification Sherloc (09022015). Collection method: clinical testing. Allele origin: germline.
Comment: This sequence change replaces asparagine, which is neutral and polar, with lysine, which is basic and polar, at codon 122 of the ERCC6L2 protein (p.Asn122Lys). This variant is present in population databases (rs759988195, gnomAD 0.03%). This variant has not been reported in the literature in individuals affected with ERCC6L2-related conditions. ClinVar contains an entry for this variant (Variation ID: 1522327). Experimental studies and prediction algorithms are not available or were not evaluated, and the functional significance of this variant is currently unknown. In summary, the available evidence is currently insufficient to determine the role of this variant in disease. Therefore, it has been classified as a Variant of Uncertain Significance.

Blueprint Genetics
Classification: Uncertain significance. Last evaluated: 2024-10-28. Review status: criteria provided, single submitter. Criteria: ACMG Guidelines, 2015. Collection method: clinical testing. Allele origin: germline.

Ambry Genetics
Classification: Uncertain significance for Inborn genetic diseases. Last evaluated: 2023-08-22. Review status: criteria provided, single submitter. Criteria: Ambry Variant Classification Scheme 2023. Collection method: clinical testing. Allele origin: germline.

Department of Pathology and Laboratory Medicine, Sinai Health System
Classification: Uncertain significance for Pancytopenia-developmental delay syndrome. Last evaluated: 2021-08-23. Review status: criteria provided, single submitter. Criteria: ACMG Guidelines, 2015. Collection method: research. Allele origin: germline.

NM_020207.7(ERCC6L2):c.333T>A (p.Asn111Lys)

Gene: ERCC6L2 (ERCC excision repair 6 like 2; plus strand). Cytogenetic location: 9q22.32.
Variant type: single nucleotide variant.
Coding change: c.333T>A on transcript NM_020207.7 (MANE Select); coding-DNA position 333, T replaced by A.
Protein change: p.Asn111Lys; replaces asparagine 111 with lysine.
Molecular consequence: missense variant. On other transcripts: non-coding transcript variant (1).
Genome position (GRCh38, 1-based): chr9:95,881,155, T>A. VCF-style: chr9-95881155-T-A. GRCh37 (hg19) VCF-style: chr9-98643437-T-A.
Other names: c.366T>A (NM_001010895.2); c.333T>A, p.Asn111Lys (NM_001010895.4, NM_001375291.1, NM_001375292.1 and 2 more transcripts); short protein forms N111K.
Identifiers: ClinVar variation 1522327 (VCV001522327.10), dbSNP rs759988195, ClinGen allele CA5139271.
Genomic context (GRCh38, chr9:95,881,155, plus strand): 5'-ACCTTATTTCCCAAACCGAAAATTTCCATCATCTTCTGTTGCTTTTAAATTATCTGACAA[T>A]GGAGACTCTATTCCTTATACCATCAATAGGTATTTGAGAGACTACCAAAGAGAAGGAACC-3'
Protein context (NP_064592.3, residues 101-121): SSSVAFKLSD[Asn111Lys]GDSIPYTINR